The following is an entry in ClinVar:

ClinVar aggregate classification (germline): Pathogenic (1 of 4 stars; one submission).

Submission:

GeneDx
Classification: Pathogenic. Last evaluated: 2025-01-21. Review status: criteria provided, single submitter. Criteria: GeneDx Variant Classification Process June 2021. Collection method: clinical testing. Allele origin: germline. Affected: yes.
Comment: Canonical splice site variant predicted to result in a null allele in a gene for which loss of function is a known mechanism of disease; Not observed in large population cohorts (gnomAD); Has not been previously published as pathogenic or benign to our knowledge

NM_015443.4(KANSL1):c.1848+1G>T

Gene: KANSL1 (KAT8 regulatory NSL complex subunit 1). Cytogenetic location: 17q21.31.
Variant type: single nucleotide variant.
Coding change: c.1848+1G>T on transcript NM_015443.4 (MANE Select); the canonical splice donor site of the intron after coding-DNA position 1848, G replaced by T.
Molecular consequence: splice donor variant.
Genome position (GRCh38, 1-based): chr17:46,066,536, C>A on the plus strand (G>T on the coding strand, the complement: KANSL1 is on the minus strand). VCF-style: chr17-46066536-C-A. GRCh37 (hg19) VCF-style: chr17-44143902-C-A.
Other names: c.582+1G>T (NM_001405885.1, NM_001405884.1, NM_001405883.1 and 1 more transcripts); c.1746+1G>T (NM_001405881.1, NM_001405861.1, NM_001405859.1 and 1 more transcripts); c.1848+1G>T (NM_001405879.1, NM_001405875.1, NM_001193465.2 and 14 more transcripts).
Identifiers: ClinVar variation 4070588 (VCV004070588.1).